The following is an entry in ClinVar:

ClinVar aggregate classification (germline): Uncertain significance (1 of 4 stars; one submission).

Conditions:
Nemaline myopathy 2 (NEM2). Also called: Nemaline myopathy 2, autosomal recessive. Identifiers: MedGen C1850569, MONDO:0009725, OMIM 256030.

Submission:

Labcorp Genetics (formerly Invitae), Labcorp
Classification: Uncertain significance for Nemaline myopathy 2. Last evaluated: 2021-04-11. Review status: criteria provided, single submitter. Criteria: Invitae Variant Classification Sherloc (09022015). Collection method: clinical testing. Allele origin: germline.
Comment: This sequence change falls in intron 74 of the NEB gene. It does not directly change the encoded amino acid sequence of the NEB protein. This variant is not present in population databases (ExAC no frequency). This variant has not been reported in the literature in individuals with NEB-related conditions. Experimental studies and prediction algorithms are not available or were not evaluated, and the effect of this variant on mRNA splicing is currently unknown. In summary, the available evidence is currently insufficient to determine the role of this variant in disease. Therefore, it has been classified as a Variant of Uncertain Significance.

NM_001164508.2(NEB):c.11077-18_11077-17insTCTCTC

Gene: NEB (nebulin; minus strand). Cytogenetic location: 2q23.3.
Variant type: Microsatellite.
Coding change: c.11077-18_11077-17insTCTCTC on transcript NM_001164508.2 (MANE Select); 18 bases into the intron before coding-DNA position 11077 through 17 bases into the intron before coding-DNA position 11077, TCTCTC inserted.
Molecular consequence: intron variant.
Genome position: GRCh38 VCF-style: chr2-151617485-A-AAGAGAG. GRCh37 (hg19) VCF-style: chr2-152473999-A-AAGAGAG.
Other names: c.10348-18_10348-17insTCTCTC (NM_004543.5); c.11077-18_11077-17insTCTCTC (NM_001164507.2, NM_001271208.2).
Identifiers: ClinVar variation 2190633 (VCV002190633.4), dbSNP rs1263320307, ClinGen allele CA429235730.